The following is an entry in ClinVar:

NM_198253.3(TERT):c.950G>A (p.Trp317Ter)

Gene: TERT (telomerase reverse transcriptase; minus strand). Cytogenetic location: 5p15.33.
Variant type: single nucleotide variant.
Coding change: c.950G>A on transcript NM_198253.3 (MANE Select); coding-DNA position 950, G replaced by A.
Protein change: p.Trp317Ter; replaces tryptophan 317 with a stop codon.
Molecular consequence: nonsense. On other transcripts: non-coding transcript variant (2).
Genome position (GRCh38, 1-based): chr5:1,293,936, C>T on the plus strand (G>A on the coding strand, the complement: TERT is on the minus strand). VCF-style: chr5-1293936-C-T. GRCh37 (hg19) VCF-style: chr5-1294051-C-T.
Other names: c.950G>A, p.Trp317Ter (NM_001193376.3, NM_003219.1); short protein forms W317*.
Identifiers: ClinVar variation 2922204 (VCV002922204.3), dbSNP rs2478417168, ClinGen allele CA359056096.

ClinVar aggregate classification (germline): Pathogenic (1 of 4 stars; one submission).

Conditions:
Dyskeratosis congenita, autosomal dominant 2. Identifiers: MedGen C3151443, MONDO:0013521, OMIM 613989.
Idiopathic Pulmonary Fibrosis. Also called: Idiopathic fibrosing alveolitis, chronic form; idiopathic fibrosing alveolitis. Identifiers: Orphanet 2032, MedGen C1800706, MeSH D054990, MONDO:0800504.

Submission:

Labcorp Genetics (formerly Invitae), Labcorp
Classification: Pathogenic for Dyskeratosis congenita, autosomal dominant 2; Idiopathic Pulmonary Fibrosis. Last evaluated: 2024-09-23. Review status: criteria provided, single submitter. Criteria: Invitae Variant Classification Sherloc (09022015). Collection method: clinical testing. Allele origin: germline.
Comment: This sequence change creates a premature translational stop signal (p.Trp317*) in the TERT gene. It is expected to result in an absent or disrupted protein product. Loss-of-function variants in TERT are known to be pathogenic (PMID: 16247010, 17460043). This variant is not present in population databases (gnomAD no frequency). This variant has not been reported in the literature in individuals affected with TERT-related conditions. For these reasons, this variant has been classified as Pathogenic.

Literature cited by the submitters: PubMed 16247010; PubMed 17460043.